The following is an entry in ClinVar:

NM_001104631.2(PDE4D):c.437C>T (p.Ser146Leu)

Gene: PDE4D (phosphodiesterase 4D; minus strand). Cytogenetic location: 5q12.1.
Variant type: single nucleotide variant.
Coding change: c.437C>T on transcript NM_001104631.2 (MANE Select); coding-DNA position 437, C replaced by T.
Protein change: p.Ser146Leu; replaces serine 146 with leucine.
Molecular consequence: missense variant. On other transcripts: intron variant (5).
Genome position (GRCh38, 1-based): chr5:59,893,186, G>A on the plus strand (C>T on the coding strand, the complement: PDE4D is on the minus strand). VCF-style: chr5-59893186-G-A. GRCh37 (hg19) VCF-style: chr5-59189013-G-A.
Other names: c.272+95302C>T (NM_001364599.1, NM_001165899.2, NM_001364600.2); c.-240+95302C>T (NM_001349243.2); c.242+95302C>T (NM_001349241.2); short protein forms S146L.
Identifiers: ClinVar variation 2069964 (VCV002069964.4), dbSNP rs766711112, ClinGen allele CA359932378.

ClinVar aggregate classification (germline): Uncertain significance (1 of 4 stars; one submission).

Allele frequency attached by ClinVar (database versions not stated): TOPMed below 0.00001; gnomAD 0.00001; 1000 Genomes Project 30x 0.00016.

Submission:

Labcorp Genetics (formerly Invitae), Labcorp
Classification: Uncertain significance. Last evaluated: 2025-09-06. Review status: criteria provided, single submitter. Criteria: Invitae Variant Classification Sherloc (09022015). Collection method: clinical testing. Allele origin: germline.
Comment: This sequence change replaces serine, which is neutral and polar, with leucine, which is neutral and non-polar, at codon 146 of the PDE4D protein (p.Ser146Leu). This variant is not present in population databases (gnomAD no frequency). This variant has not been reported in the literature in individuals affected with PDE4D-related conditions. ClinVar contains an entry for this variant (Variation ID: 2069964). An algorithm developed to predict the effect of missense changes on protein structure and function (PolyPhen-2) suggests that this variant is likely to be tolerated. In summary, the available evidence is currently insufficient to determine the role of this variant in disease. Therefore, it has been classified as a Variant of Uncertain Significance.